The following is an entry in ClinVar:

NM_020975.6(RET):c.1264-3T>C

Gene: RET (ret proto-oncogene; plus strand). Cytogenetic location: 10q11.21.
Variant type: single nucleotide variant.
Coding change: c.1264-3T>C on transcript NM_020975.6 (MANE Select); 3 bases into the intron before coding-DNA position 1264, T replaced by C.
Molecular consequence: intron variant.
Genome position (GRCh38, 1-based): chr10:43,111,204, T>C. VCF-style: chr10-43111204-T-C. GRCh37 (hg19) VCF-style: chr10-43606652-T-C.
Other names: c.1264-3T>C (NM_020975.4, NM_020630.7, NM_001406743.1 and 5 more transcripts); c.868-3T>C (NM_001406772.1, NM_001406769.1); c.826-3T>C (NM_001406773.1, NM_001406771.1); c.626-895T>C (NM_001406782.1, NM_001406780.1, NM_001406779.1 and 3 more transcripts); c.1135-3T>C (NM_001406764.1, NM_001406762.1, NM_001406761.1 and 1 more transcripts); c.739-3T>C (NM_001406774.1); c.497-895T>C (NM_001406786.1, NM_001406783.1); c.976-3T>C (NM_001406770.1, NM_001406766.1, NM_001406767.1); and 5 more.
Identifiers: ClinVar variation 1432228 (VCV001432228.9), dbSNP rs2132765385, ClinGen allele CA2573145050.

ClinVar aggregate classification (germline): Uncertain significance. Review status: criteria provided, multiple submitters, no conflicts (2 of 4 stars). 2 submissions from 2 submitters: Uncertain significance (2). Last evaluated 2023-03-01.

Conditions:
Multiple endocrine neoplasia, type 2 (MEN2). Identifiers: Orphanet 653, MedGen C4048306, MONDO:0019003. Disease mechanism: gain of function.
Hereditary cancer-predisposing syndrome. Also called: Hereditary Cancer Syndrome; Hereditary neoplastic syndrome; Neoplastic Syndromes, Hereditary; Tumor predisposition. Identifiers: Orphanet 140162, MedGen C0027672, MeSH D009386, MONDO:0015356.

Submissions (2):

Ambry Genetics
Classification: Uncertain significance for Hereditary cancer-predisposing syndrome. Last evaluated: 2023-03-01. Review status: criteria provided, single submitter. Criteria: Ambry Variant Classification Scheme 2023. Collection method: clinical testing. Allele origin: germline.
Comment: The c.1264-3T>C intronic variant results from a T to C substitution 3 nucleotides upstream from coding exon 7 in the RET gene. This nucleotide position is not well conserved in available vertebrate species. In silico splice site analysis predicts that this alteration will not have any significant effect on splicing. Since supporting evidence is limited at this time, the clinical significance of this alteration remains unclear.

Labcorp Genetics (formerly Invitae), Labcorp
Classification: Uncertain significance for Multiple endocrine neoplasia, type 2. Last evaluated: 2021-08-10. Review status: criteria provided, single submitter. Criteria: Invitae Variant Classification Sherloc (09022015). Collection method: clinical testing. Allele origin: germline.
Comment: In summary, the available evidence is currently insufficient to determine the role of this variant in disease. Therefore, it has been classified as a Variant of Uncertain Significance. Variants that disrupt the consensus splice site are a relatively common cause of aberrant splicing (PMID: 17576681, 9536098). Algorithms developed to predict the effect of sequence changes on RNA splicing suggest that this variant is not likely to affect RNA splicing. This variant has not been reported in the literature in individuals affected with RET-related conditions. This variant is not present in population databases (ExAC no frequency). This sequence change falls in intron 6 of the RET gene. It does not directly change the encoded amino acid sequence of the RET protein. It affects a nucleotide within the consensus splice site of the intron.

Literature cited by the submitters: PubMed 17576681 (cited by Labcorp Genetics (formerly Invitae), Labcorp); PubMed 9536098 (cited by Labcorp Genetics (formerly Invitae), Labcorp).